The following is an entry in ClinVar:

NM_017763.6(RNF43):c.2109T>C (p.Pro703=)

Gene: RNF43 (ring finger protein 43; minus strand). Cytogenetic location: 17q22.
Variant type: single nucleotide variant.
Coding change: c.2109T>C on transcript NM_017763.6 (MANE Select); coding-DNA position 2109, T replaced by C.
Protein change: p.Pro703=; no amino-acid change (proline 703 retained).
Molecular consequence: synonymous variant.
Genome position (GRCh38, 1-based): chr17:58,357,667, A>G on the plus strand (T>C on the coding strand, the complement: RNF43 is on the minus strand). VCF-style: chr17-58357667-A-G. GRCh37 (hg19) VCF-style: chr17-56435028-A-G.
Other names: c.2109T>C, p.Pro703= (NM_001305544.3, NM_001438820.1, NM_001438821.1 and 1 more transcripts); c.1728T>C, p.Pro576= (NM_001305545.2, NM_001437987.1).
Identifiers: ClinVar variation 5042114 (VCV005042114.1).
Genomic context (GRCh38, chr17:58,357,667, plus strand): 5'-CTGTGAATTTGAGTAACAGGGGCCTGGGGTTTCTGGTAGCAGCCTCTTGTCCAGGCCTGG[A>G]GGTCCACAGATCAAGGGGTGTGCCTCTGGGGACCAAGGATATGCCACACTGGGGGTGTAA-3'
Protein context (NP_060233.3, residues 693-713): SPEAHPLICG[Pro703=]PGLDKRLLPE

ClinVar aggregate classification (germline): Benign (1 of 4 stars; one submission).

Conditions:
Sessile serrated polyposis cancer syndrome (SSPCS). Identifiers: Orphanet 157798, MedGen C4310714, MONDO:0014919, OMIM 617108.

gnomAD v4.1: 1 of 1,613,434 alleles (0.000062%); highest among the groups gnomAD compares: Non-Finnish European, 0.000085%; no homozygotes.

Submission:

Myriad Genetics, Inc.
Classification: Benign for Sessile serrated polyposis cancer syndrome. Last evaluated: 2026-07-02. Review status: criteria provided, single submitter. Criteria: Myriad Autosomal Dominant, Autosomal Recessive and X-Linked Classification Criteria (2023). Collection method: clinical testing. Allele origin: unknown.
Comment: This variant is considered benign. This variant is a silent/synonymous amino acid change and it is not expected to impact splicing.